The following is an entry in ClinVar:

ClinVar aggregate classification (germline): Likely benign (1 of 4 stars; one submission).

Submission:

CeGaT Center for Human Genetics Tuebingen
Classification: Likely benign. Last evaluated: 2026-06-01. Review status: criteria provided, single submitter. Criteria: CeGaT Center For Human Genetics Tuebingen Variant Classification Criteria Version 2. Collection method: clinical testing. Allele origin: germline. Affected: yes. Observed: 1 variant allele.
Comment: TTN: PM2:Supporting, BP4, BP7

NM_001267550.2(TTN):c.95904T>C (p.Thr31968=)

Genes: TTN (titin; minus strand), TTN-AS1 (TTN antisense RNA 1; plus strand). Cytogenetic location: 2q31.2.
Variant type: single nucleotide variant.
Coding change: c.95904T>C on transcript NM_001267550.2 (MANE Select); coding-DNA position 95904, T replaced by C.
Protein change: p.Thr31968=; no amino-acid change (threonine 31968 retained).
Molecular consequence: synonymous variant.
Genome position (GRCh38, 1-based): chr2:178,544,325, A>G on the plus strand (T>C on the coding strand, the complement: TTN is on the minus strand). VCF-style: chr2-178544325-A-G. GRCh37 (hg19) VCF-style: chr2-179409052-A-G.
Other names: c.90981T>C, p.Thr30327= (NM_001256850.1); c.68709T>C, p.Thr22903= (NM_003319.4); c.88200T>C, p.Thr29400= (NM_133378.4); c.69084T>C, p.Thr23028= (NM_133432.3); c.69285T>C, p.Thr23095= (NM_133437.4).
Identifiers: ClinVar variation 4875164 (VCV004875164.2).